The following is an entry in ClinVar:

NM_005585.5(SMAD6):c.1339_1357dup (p.Asp453fs)

Gene: SMAD6 (SMAD family member 6; plus strand). Cytogenetic location: 15q22.31.
Variant type: Duplication.
Coding change: c.1339_1357dup on transcript NM_005585.5 (MANE Select); coding-DNA positions 1339 to 1357, 19 bases duplicated (CAGCACGCGCCCGAGCCCG).
Protein change: p.Asp453fs; shifts the reading frame from aspartic acid 453.
Molecular consequence: frameshift variant. On other transcripts: non-coding transcript variant (1).
Genome position (GRCh38, 1-based): chr15:66,781,383-66,781,401, CAGCACGCGCCCGAGCCCG duplicated; duplicating any 19 consecutive bases within chr15:66,781,382-66,781,401 gives the same sequence; the c. name uses the placement nearest the transcript's 3' end. VCF-style (leftmost placement, unchanged base first): chr15-66781381-T-TGCAGCACGCGCCCGAGCCC. GRCh37 (hg19) VCF-style: chr15-67073719-T-TGCAGCACGCGCCCGAGCCC.
Other names: short protein forms D453fs.
Identifiers: ClinVar variation 4737473 (VCV004737473.3).
Genomic context (GRCh38, chr15:66,781,381, plus strand): 5'-TCGTGCGCAAGGTGCCCCCCGGCTACTCCATCAAGGTGTTCGACTTCGAGCGCTCGGGCC[T>TGCAGCACGCGCCCGAGCCC]GCAGCACGCGCCCGAGCCCGACGCCGCCGACGGCCCCTACGACCCCAACAGCGTCCGCAT-3'

ClinVar aggregate classification (germline): Uncertain significance. Review status: criteria provided, multiple submitters, no conflicts (2 of 4 stars). 2 submissions from 2 submitters: Uncertain significance (2). Last evaluated 2025-08-13.

Conditions:
Aortic valve disease 2 (AOVD2). Identifiers: MedGen C3542024, MONDO:0013902, OMIM 614823.
Craniosynostosis 7 (CRS7). Also called: CRANIOSYNOSTOSIS 7, DIGENIC; CRS7, DIGENIC. Identifiers: MedGen C4479496, MONDO:0044315, OMIM 617439.
Radioulnar synostosis, nonsyndromic, susceptibility to. Identifiers: MedGen C5241445, MONDO:0100183, OMIM 179300.

Submissions (2):

Labcorp Genetics (formerly Invitae), Labcorp
Classification: Uncertain significance for Aortic valve disease 2. Last evaluated: 2025-08-13. Review status: criteria provided, single submitter. Criteria: Invitae Variant Classification Sherloc (09022015). Collection method: clinical testing. Allele origin: germline.
Comment: This sequence change is expected to alter the c-terminus of the SMAD6 protein (p.Asp453Alafs*118). While this is not anticipated to result in nonsense mediated decay, it is expected to disrupt the last 44 amino acid(s) of the SMAD6 protein and extend the protein by 73 additional amino acid residues. This variant is not present in population databases (gnomAD no frequency). This variant has not been reported in the literature in individuals affected with SMAD6-related conditions. Experimental studies and prediction algorithms are not available or were not evaluated, and the functional significance of this variant is currently unknown. In summary, the available evidence is currently insufficient to determine the role of this variant in disease. Therefore, it has been classified as a Variant of Uncertain Significance.

Juno Genomics, Hangzhou Juno Genomics, Inc
Classification: Uncertain significance for Craniosynostosis 7; Radioulnar synostosis, nonsyndromic, susceptibility to; Aortic valve disease 2. Review status: criteria provided, single submitter. Criteria: ACMG Guidelines, 2015. Collection method: clinical testing. Allele origin: germline.
Comment: Absent from controls (or at extremely low frequency if recessive) in Genome Aggregation Database.